The following is an entry in ClinVar:

NM_182641.4(BPTF):c.6922C>T (p.His2308Tyr)

Gene: BPTF (bromodomain PHD finger transcription factor; plus strand). Cytogenetic location: 17q24.2.
Variant type: single nucleotide variant.
Coding change: c.6922C>T on transcript NM_182641.4 (MANE Select); coding-DNA position 6922, C replaced by T.
Protein change: p.His2308Tyr; replaces histidine 2308 with tyrosine.
Molecular consequence: missense variant.
Genome position (GRCh38, 1-based): chr17:67,945,630, C>T. VCF-style: chr17-67945630-C-T. GRCh37 (hg19) VCF-style: chr17-65941746-C-T.
Other names: c.7300C>T, p.His2434Tyr (NM_004459.7); short protein forms H2434Y, H2308Y.
Identifiers: ClinVar variation 2121881 (VCV002121881.4), dbSNP rs2512531314, ClinGen allele CA400723988.

ClinVar aggregate classification (germline): Uncertain significance (1 of 4 stars; one submission).

Allele frequency attached by ClinVar (database versions not stated): gnomAD exomes below 0.00001.
gnomAD v4.1: 3 of 1,613,926 alleles (0.00019%); highest among the groups gnomAD compares: Non-Finnish European, 0.00017%; no homozygotes.

Submission:

Labcorp Genetics (formerly Invitae), Labcorp
Classification: Uncertain significance. Last evaluated: 2025-10-13. Review status: criteria provided, single submitter. Criteria: Invitae Variant Classification Sherloc (09022015). Collection method: clinical testing. Allele origin: germline.
Comment: This sequence change replaces histidine, which is basic and polar, with tyrosine, which is neutral and polar, at codon 2434 of the BPTF protein (p.His2434Tyr). This variant is not present in population databases (gnomAD no frequency). This variant has not been reported in the literature in individuals affected with BPTF-related conditions. ClinVar contains an entry for this variant (Variation ID: 2121881). An algorithm developed to predict the effect of missense changes on protein structure and function (PolyPhen-2) suggests that this variant is likely to be tolerated. In summary, the available evidence is currently insufficient to determine the role of this variant in disease. Therefore, it has been classified as a Variant of Uncertain Significance.